The following is an entry in ClinVar:

ClinVar aggregate classification (germline): Uncertain significance (1 of 4 stars; one submission).

Conditions:
Familial thoracic aortic aneurysm and aortic dissection (TAAD). Also called: Thoracic aortic aneurysms and dissections. Identifiers: Orphanet 91387, MedGen C4707243, MONDO:0019625.

Allele frequency attached by ClinVar (database versions not stated): gnomAD exomes below 0.00001.

Submission:

Ambry Genetics
Classification: Uncertain significance for Familial thoracic aortic aneurysm and aortic dissection. Last evaluated: 2015-07-17. Review status: criteria provided, single submitter. Criteria: Ambry Variant Classification Scheme 2023. Collection method: clinical testing. Allele origin: germline.
Comment: The p.I1475V variant (also known as c.4423A>G), located in coding exon 54 of the COL5A2 gene, results from an A to G substitution at nucleotide position 4423. The isoleucine at codon 1475 is replaced by valine, an amino acid with highly similar properties. This variant was not reported in population based cohorts in the following databases: Database of Single Nucleotide Polymorphisms (dbSNP), NHLBI Exome Sequencing Project (ESP), and 1000 Genomes Project. In the ESP, this variant was not observed in 6503 samples (13006 alleles) with coverage at this position. This amino acid position is not well conserved in available vertebrates and valine is the reference amino acid in multiple species. In addition, this alteration is predicted to be tolerated by in silico analysis. Since supporting evidence is limited at this time, the clinical significance of this variant remains unclear.

NM_000393.5(COL5A2):c.4423A>G (p.Ile1475Val)

Gene: COL5A2 (collagen type V alpha 2 chain; minus strand). Cytogenetic location: 2q32.2.
Variant type: single nucleotide variant.
Coding change: c.4423A>G on transcript NM_000393.5 (MANE Select); coding-DNA position 4423, A replaced by G.
Protein change: p.Ile1475Val; replaces isoleucine 1475 with valine.
Molecular consequence: missense variant.
Genome position (GRCh38, 1-based): chr2:189,034,147, T>C on the plus strand (A>G on the coding strand, the complement: COL5A2 is on the minus strand). VCF-style: chr2-189034147-T-C. GRCh37 (hg19) VCF-style: chr2-189898873-T-C.
Other names: short protein forms I1475V.
Identifiers: ClinVar variation 264167 (VCV000264167.5), dbSNP rs886039069, ClinGen allele CA10587545.